The following is an entry in ClinVar:

ClinVar aggregate classification (germline): Conflicting classifications of pathogenicity. Review status: criteria provided, conflicting classifications (1 of 4 stars). 6 submissions from 6 submitters: Uncertain significance (5); Likely benign (1). Last evaluated 2025-11-04.

Conditions:
Von Hippel-Lindau syndrome (VHLS). Also called: Von Hippel-Lindau; VHL syndrome; von Hippel–Lindau syndrome. Identifiers: Orphanet 892, MedGen C0019562, MONDO:0008667, OMIM 193300. Disease mechanism: loss of function.
Chuvash polycythemia. Also called: POLYCYTHEMIA, VHL-DEPENDENT. Identifiers: Orphanet 238557, MedGen C1837915, MONDO:0009892, OMIM 263400.
Hereditary cancer-predisposing syndrome. Also called: Hereditary Cancer Syndrome; Neoplastic Syndromes, Hereditary; Tumor predisposition; Hereditary neoplastic syndrome. Identifiers: Orphanet 140162, MedGen C0027672, MeSH D009386, MONDO:0015356.

Submissions (6):

Ambry Genetics
Classification: Likely benign for Hereditary cancer-predisposing syndrome. Last evaluated: 2025-11-04. Review status: criteria provided, single submitter. Criteria: Ambry Variant Classification Scheme 2023. Collection method: clinical testing. Allele origin: germline.

Labcorp Genetics (formerly Invitae), Labcorp
Classification: Uncertain significance for Von Hippel-Lindau syndrome; Chuvash polycythemia. Last evaluated: 2025-04-07. Review status: criteria provided, single submitter. Criteria: Invitae Variant Classification Sherloc (09022015). Collection method: clinical testing. Allele origin: germline.
Comment: This sequence change replaces glutamic acid, which is acidic and polar, with glycine, which is neutral and non-polar, at codon 199 of the VHL protein (p.Glu199Gly). This variant is not present in population databases (gnomAD no frequency). This variant has not been reported in the literature in individuals affected with VHL-related conditions. ClinVar contains an entry for this variant (Variation ID: 848927). Invitae Evidence Modeling of protein sequence and biophysical properties (such as structural, functional, and spatial information, amino acid conservation, physicochemical variation, residue mobility, and thermodynamic stability) has been performed for this missense variant. However, the output from this modeling did not meet the statistical confidence thresholds required to predict the impact of this variant on VHL protein function. In summary, the available evidence is currently insufficient to determine the role of this variant in disease. Therefore, it has been classified as a Variant of Uncertain Significance.

CeGaT Center for Human Genetics Tuebingen
Classification: Uncertain significance. Last evaluated: 2024-07-01. Review status: criteria provided, single submitter. Criteria: CeGaT Center For Human Genetics Tuebingen Variant Classification Criteria Version 2. Collection method: clinical testing. Allele origin: germline. Affected: yes. Observed: 2 variant alleles.
Comment: VHL: PM2

All of Us Research Program, National Institutes of Health
Classification: Uncertain significance for Von Hippel-Lindau syndrome. Last evaluated: 2024-04-25. Review status: criteria provided, single submitter. Criteria: ACMG Guidelines, 2015. Collection method: clinical testing. Allele origin: germline. Inheritance: Autosomal dominant inheritance. Observed: 2 variant alleles, 2 heterozygotes.
Comment: This missense variant replaces glutamic acid with glycine at codon 199 of the VHL protein. Computational prediction is inconclusive regarding the impact of this variant on protein structure and function (internally defined REVEL score threshold 0.5 < inconclusive < 0.7, PMID: 27666373). To our knowledge, functional studies have not been reported for this variant. This variant has not been reported in individuals affected with hereditary cancer in the literature. This variant has not been identified in the general population by the Genome Aggregation Database (gnomAD). The available evidence is insufficient to determine the role of this variant in disease conclusively. Therefore, this variant is classified as a Variant of Uncertain Significance.

This study involves interpretation of variants in research participants for the purpose of population health screening. Participant phenotype was not available at the time of variant classification. Additional details can be found in publication PMID: 35346344, PMCID: PMC8962531

Color Diagnostics, LLC DBA Color Health
Classification: Uncertain significance for Von Hippel-Lindau syndrome. Last evaluated: 2024-04-11. Review status: criteria provided, single submitter. Criteria: ACMG Guidelines, 2015. Collection method: clinical testing. Allele origin: germline.
Comment: This missense variant replaces glutamic acid with glycine at codon 199 of the VHL protein. Computational prediction is inconclusive regarding the impact of this variant on protein structure and function. To our knowledge, functional studies have not been reported for this variant. This variant has not been reported in individuals affected with hereditary cancer in the literature. This variant has not been identified in the general population by the Genome Aggregation Database (gnomAD). The available evidence is insufficient to determine the role of this variant in disease conclusively. Therefore, this variant is classified as a Variant of Uncertain Significance.

Baylor Genetics
Classification: Uncertain significance for Chuvash polycythemia. Last evaluated: 2023-11-28. Review status: criteria provided, single submitter. Criteria: ACMG Guidelines, 2015. Collection method: clinical testing. Allele origin: unknown.

NM_000551.4(VHL):c.596A>G (p.Glu199Gly)

Genes: VHL (von Hippel-Lindau tumor suppressor; plus strand), LOC107303340 (3p25 von Hippel-Lindau tumor suppressor, E3 ubiquitin protein ligase Alu-mediated recombination region; plus strand). Cytogenetic location: 3p25.3.
Variant type: single nucleotide variant.
Coding change: c.596A>G on transcript NM_000551.4 (MANE Select); coding-DNA position 596, A replaced by G.
Protein change: p.Glu199Gly; replaces glutamic acid 199 with glycine.
Molecular consequence: missense variant. On other transcripts: 3 prime UTR variant (1).
Genome position (GRCh38, 1-based): chr3:10,149,919, A>G. VCF-style: chr3-10149919-A-G. GRCh37 (hg19) VCF-style: chr3-10191603-A-G.
Other names: c.*150A>G (NM_001354723.2); c.473A>G, p.Glu158Gly (NM_198156.3); short protein forms E158G, E199G.
Identifiers: ClinVar variation 848927 (VCV000848927.28), dbSNP rs760690217, ClinGen allele CA351756560.